The following is an entry in ClinVar:

ClinVar aggregate classification (germline): Uncertain significance. Review status: criteria provided, multiple submitters, no conflicts (2 of 4 stars). 2 submissions from 2 submitters: Uncertain significance (2). Last evaluated 2025-07-31.

Conditions:
Hereditary cancer-predisposing syndrome. Also called: Tumor predisposition; Hereditary Cancer Syndrome; Hereditary neoplastic syndrome; Neoplastic Syndromes, Hereditary. Identifiers: Orphanet 140162, MedGen C0027672, MeSH D009386, MONDO:0015356.
Oligodontia-cancer predisposition syndrome. Also called: TOOTH AGENESIS-COLORECTAL CANCER SYNDROME. Identifiers: Orphanet 300576, MedGen C1837750, MONDO:0012075, OMIM 608615. Disease mechanism: loss of function.

Allele frequency attached by ClinVar (database versions not stated): ExAC 0.00001; gnomAD 0.00001; gnomAD exomes 0.00001; TOPMed 0.00001.
gnomAD v4.1: 7 of 1,607,090 alleles (0.00044%); highest among the groups gnomAD compares: Admixed American, 0.0017%; no homozygotes.

Submissions (2):

Labcorp Genetics (formerly Invitae), Labcorp
Classification: Uncertain significance for Oligodontia-cancer predisposition syndrome. Last evaluated: 2025-07-31. Review status: criteria provided, single submitter. Criteria: Invitae Variant Classification Sherloc (09022015). Collection method: clinical testing. Allele origin: germline.
Comment: This sequence change replaces threonine, which is neutral and polar, with serine, which is neutral and polar, at codon 76 of the AXIN2 protein (p.Thr76Ser). This variant is present in population databases (rs730881402, gnomAD 0.003%). This variant has not been reported in the literature in individuals affected with AXIN2-related conditions. ClinVar contains an entry for this variant (Variation ID: 182013). Invitae Evidence Modeling of protein sequence and biophysical properties (such as structural, functional, and spatial information, amino acid conservation, physicochemical variation, residue mobility, and thermodynamic stability) indicates that this missense variant is not expected to disrupt AXIN2 protein function with a negative predictive value of 80%. In summary, the available evidence is currently insufficient to determine the role of this variant in disease. Therefore, it has been classified as a Variant of Uncertain Significance.

Ambry Genetics
Classification: Uncertain significance for Hereditary cancer-predisposing syndrome. Last evaluated: 2025-02-12. Review status: criteria provided, single submitter. Criteria: Ambry Variant Classification Scheme 2023. Collection method: clinical testing. Allele origin: germline.
Comment: The p.T76S variant (also known as c.227C>G), located in coding exon 1 of the AXIN2 gene, results from a C to G substitution at nucleotide position 227. The threonine at codon 76 is replaced by serine, an amino acid with similar properties. This amino acid position is not well conserved in available vertebrate species. In addition, this alteration is predicted to be tolerated by in silico analysis. Since supporting evidence is limited at this time, the clinical significance of this alteration remains unclear.

NM_004655.4(AXIN2):c.227C>G (p.Thr76Ser)

Gene: AXIN2 (axin 2; minus strand). Cytogenetic location: 17q24.1.
Variant type: single nucleotide variant.
Coding change: c.227C>G on transcript NM_004655.4 (MANE Select); coding-DNA position 227, C replaced by G.
Protein change: p.Thr76Ser; replaces threonine 76 with serine.
Molecular consequence: missense variant.
Genome position (GRCh38, 1-based): chr17:65,558,394, G>C on the plus strand (C>G on the coding strand, the complement: AXIN2 is on the minus strand). VCF-style: chr17-65558394-G-C. GRCh37 (hg19) VCF-style: chr17-63554512-G-C.
Other names: c.227C>G (LRG_296t1); c.227C>G, p.Thr76Ser (NM_001363813.1); short protein forms T76S.
Identifiers: ClinVar variation 182013 (VCV000182013.15), dbSNP rs730881402, ClinGen allele CA298407.
Genomic context (GRCh38, chr17:65,558,394, plus strand): 5'-CGGAACAGGTAAGCACCGTCTTGATCGCCCAATAAGGAGTGTAAGGACTTGGTCCACCGG[G>C]TCAGAGGGGAATCCGGAGATGCCCGCCCCTCCGGCTCCCCCAACCCATCTTCGTTCCGCC-3'
Protein context (NP_004646.3, residues 66-86): EGRASPDSPL[Thr76Ser]RWTKSLHSLL